The following is an entry in ClinVar:

NM_015158.5(KANK1):c.3889G>C (p.Glu1297Gln)

Gene: KANK1 (KN motif and ankyrin repeat domains 1; plus strand). Cytogenetic location: 9p24.3.
Variant type: single nucleotide variant.
Coding change: c.3889G>C on transcript NM_015158.5 (MANE Select); coding-DNA position 3889, G replaced by C.
Protein change: p.Glu1297Gln; replaces glutamic acid 1297 with glutamine.
Molecular consequence: missense variant. On other transcripts: non-coding transcript variant (1).
Genome position (GRCh38, 1-based): chr9:742,397, G>C. VCF-style: chr9-742397-G-C. GRCh37 (hg19) VCF-style: chr9-742397-G-C.
Other names: c.3121G>C, p.Glu1041Gln (NM_001354336.2); c.3415G>C, p.Glu1139Gln (NM_001354337.2, NM_001354341.2, NM_153186.6 and 2 more transcripts); c.3361G>C, p.Glu1121Gln (NM_001354338.2, NM_001354340.2, NM_001354344.2); c.3175G>C, p.Glu1059Gln (NM_001354339.2, NM_001354342.2, NM_001354343.2); c.3889G>C, p.Glu1297Gln (NM_001256876.3, NM_001256877.3, NM_001354334.2); c.3649G>C, p.Glu1217Gln (NM_001354331.2); c.3835G>C, p.Glu1279Gln (NM_001354332.2); short protein forms E1121Q, E1217Q, E1297Q, E1041Q, E1279Q, E1059Q, E1139Q.
Identifiers: ClinVar variation 3630299 (VCV003630299.2).

ClinVar aggregate classification (germline): Uncertain significance (1 of 4 stars; one submission).

gnomAD v4.1: 2 of 1,612,836 alleles (0.00012%); highest among the groups gnomAD compares: Middle Eastern, 0.017%; no homozygotes.

Submission:

Labcorp Genetics (formerly Invitae), Labcorp
Classification: Uncertain significance. Last evaluated: 2024-06-24. Review status: criteria provided, single submitter. Criteria: Invitae Variant Classification Sherloc (09022015). Collection method: clinical testing. Allele origin: germline.
Comment: This sequence change replaces glutamic acid, which is acidic and polar, with glutamine, which is neutral and polar, at codon 1297 of the KANK1 protein (p.Glu1297Gln). This variant is not present in population databases (gnomAD no frequency). This variant has not been reported in the literature in individuals affected with KANK1-related conditions. Algorithms developed to predict the effect of missense changes on protein structure and function output the following: SIFT: "Not Available"; PolyPhen-2: "Benign"; Align-GVGD: "Not Available". The glutamine amino acid residue is found in multiple mammalian species, which suggests that this missense change does not adversely affect protein function. In summary, the available evidence is currently insufficient to determine the role of this variant in disease. Therefore, it has been classified as a Variant of Uncertain Significance.